The following is an entry in ClinVar:

ClinVar aggregate classification (germline): Uncertain significance. Review status: criteria provided, multiple submitters, no conflicts (2 of 4 stars). 2 submissions from 2 submitters: Uncertain significance (2). Last evaluated 2025-12-22.

Conditions:
Hereditary cancer-predisposing syndrome. Also called: Tumor predisposition; Neoplastic Syndromes, Hereditary; Hereditary Cancer Syndrome; Hereditary neoplastic syndrome. Identifiers: Orphanet 140162, MedGen C0027672, MeSH D009386, MONDO:0015356.
Carney complex, type 1 (CNC1). Also called: CARNEY MYXOMA-ENDOCRINE COMPLEX; CARNEY COMPLEX, TYPE I. Identifiers: Orphanet 1359, MedGen C2607929, MONDO:0008057, OMIM 160980.

Submissions (2):

Ambry Genetics
Classification: Uncertain significance for Hereditary cancer-predisposing syndrome. Last evaluated: 2025-12-22. Review status: criteria provided, single submitter. Criteria: Ambry Variant Classification Scheme 2023. Collection method: clinical testing. Allele origin: germline.
Comment: The p.R342L variant (also known as c.1025G>T), located in coding exon 10 of the PRKAR1A gene, results from a G to T substitution at nucleotide position 1025. The arginine at codon 342 is replaced by leucine, an amino acid with dissimilar properties. This amino acid position is conserved. In addition, this alteration is predicted to be deleterious by in silico analysis. Based on the available evidence, the clinical significance of this variant remains unclear.

Labcorp Genetics (formerly Invitae), Labcorp
Classification: Uncertain significance for Carney complex, type 1. Last evaluated: 2023-05-09. Review status: criteria provided, single submitter. Criteria: Invitae Variant Classification Sherloc (09022015). Collection method: clinical testing. Allele origin: germline.
Comment: In summary, the available evidence is currently insufficient to determine the role of this variant in disease. Therefore, it has been classified as a Variant of Uncertain Significance. Advanced modeling of protein sequence and biophysical properties (such as structural, functional, and spatial information, amino acid conservation, physicochemical variation, residue mobility, and thermodynamic stability) performed at Invitae indicates that this missense variant is not expected to disrupt PRKAR1A protein function. This variant has not been reported in the literature in individuals affected with PRKAR1A-related conditions. This variant is not present in population databases (gnomAD no frequency). This sequence change replaces arginine, which is basic and polar, with leucine, which is neutral and non-polar, at codon 342 of the PRKAR1A protein (p.Arg342Leu).

NM_002734.5(PRKAR1A):c.1025G>T (p.Arg342Leu)

Gene: PRKAR1A (protein kinase cAMP-dependent type I regulatory subunit alpha; plus strand). Cytogenetic location: 17q24.2.
Variant type: single nucleotide variant.
Coding change: c.1025G>T on transcript NM_002734.5 (MANE Select); coding-DNA position 1025, G replaced by T.
Protein change: p.Arg342Leu; replaces arginine 342 with leucine.
Molecular consequence: missense variant. On other transcripts: intron variant (1).
Genome position (GRCh38, 1-based): chr17:68,530,328, G>T. VCF-style: chr17-68530328-G-T. GRCh37 (hg19) VCF-style: chr17-66526469-G-T.
Other names: c.973+327G>T (NM_001276290.1); c.1025G>T, p.Arg342Leu (NM_001276289.2, NM_001278433.2, NM_001369389.1 and 3 more transcripts); c.1025G>T (NM_002734.3); short protein forms R342L.
Identifiers: ClinVar variation 2856497 (VCV002856497.4), dbSNP rs760033566, ClinGen allele CA400754571.